The following is an entry in ClinVar:

ClinVar aggregate classification (germline): Uncertain significance (0 of 4 stars; one submission).

Conditions:
PLXNA2-related disorder. Also called: PLXNA2-related condition.

Submission:

PreventionGenetics, part of Exact Sciences
Classification: Uncertain significance for PLXNA2-related condition. Last evaluated: 2023-12-04. Review status: no assertion criteria provided. Collection method: clinical testing. Allele origin: germline.
Comment: The PLXNA2 c.1920G>C variant is predicted to result in the amino acid substitution p.Lys640Asn. To our knowledge, this variant has not been reported in the literature or in a large population database, indicating this variant is rare. At this time, the clinical significance of this variant is uncertain due to the absence of conclusive functional and genetic evidence.

NM_025179.4(PLXNA2):c.1920G>C (p.Lys640Asn)

Gene: PLXNA2 (plexin A2; minus strand). Cytogenetic location: 1q32.2.
Variant type: single nucleotide variant.
Coding change: c.1920G>C on transcript NM_025179.4 (MANE Select); coding-DNA position 1920, G replaced by C.
Protein change: p.Lys640Asn; replaces lysine 640 with asparagine.
Molecular consequence: missense variant.
Genome position (GRCh38, 1-based): chr1:208,096,091, C>G on the plus strand (G>C on the coding strand, the complement: PLXNA2 is on the minus strand). VCF-style: chr1-208096091-C-G. GRCh37 (hg19) VCF-style: chr1-208269436-C-G.
Other names: short protein forms K640N.
Identifiers: ClinVar variation 3348715 (VCV003348715.1).